The following is an entry in ClinVar:

ClinVar aggregate classification (germline): Uncertain significance (1 of 4 stars; one submission).

Submission:

Labcorp Genetics (formerly Invitae), Labcorp
Classification: Uncertain significance. Last evaluated: 2025-04-29. Review status: criteria provided, single submitter. Criteria: Invitae Variant Classification Sherloc (09022015). Collection method: clinical testing. Allele origin: germline.
Comment: This sequence change affects codon 592 of the JAK2 mRNA. It is a 'silent' change, meaning that it does not change the encoded amino acid sequence of the JAK2 protein. This variant also falls at the last nucleotide of exon 13, which is part of the consensus splice site for this exon. This variant is not present in population databases (gnomAD no frequency). This variant has not been reported in the literature in individuals affected with JAK2-related conditions. Variants that disrupt the consensus splice site are a relatively common cause of aberrant splicing (PMID: 17576681, 9536098). Algorithms developed to predict the effect of sequence changes on RNA splicing suggest that this variant may disrupt the consensus splice site. In summary, the available evidence is currently insufficient to determine the role of this variant in disease. Therefore, it has been classified as a Variant of Uncertain Significance.

Literature cited by the submitters: PubMed 17576681; PubMed 9536098.

NM_004972.4(JAK2):c.1776G>A (p.Glu592=)

Genes: INSL6 (insulin like 6; minus strand), JAK2 (Janus kinase 2; plus strand). Cytogenetic location: 9p24.1.
Variant type: single nucleotide variant.
Coding change: c.1776G>A on transcript NM_004972.4 (MANE Select); coding-DNA position 1776, G replaced by A.
Protein change: p.Glu592=; no amino-acid change (glutamic acid 592 retained).
Molecular consequence: synonymous variant. On other transcripts: non-coding transcript variant (2).
Genome position (GRCh38, 1-based): chr9:5,072,626, G>A. VCF-style: chr9-5072626-G-A. GRCh37 (hg19) VCF-style: chr9-5072626-G-A.
Other names: c.1776G>A, p.Glu592= (NM_001322194.2, NM_001322195.2, NM_001322196.2); c.561G>A, p.Glu187= (NM_001322198.2, NM_001322199.2); c.1329G>A, p.Glu443= (NM_001322204.2).
Identifiers: ClinVar variation 4779746 (VCV004779746.1).